The following is an entry in ClinVar:

ClinVar aggregate classification (germline): Uncertain significance (1 of 4 stars; one submission).

Conditions:
Congenital portosystemic shunt. Identifiers: Orphanet 480531, MedGen C1290495, MONDO:0018811.

gnomAD v4.1: 108 of 1,611,044 alleles (0.0067%); highest among the groups gnomAD compares: East Asian, 0.2%; no homozygotes.

Submission:

Department of Pediatrics, Graduate School of Medical Sciences, Kyushu University
Classification: Uncertain significance for Congenital portosystemic shunt. Last evaluated: 2026-02-27. Review status: criteria provided, single submitter. Criteria: ACMG Guidelines, 2015. Collection method: research. Allele origin: germline. Affected: yes.
Comment: Both variants are rare or absent in population databases such as gnomAD, and in silico prediction tools including CADD suggest potential deleterious effects. However, the relationship between this gene and CPSS has not been established. Therefore, the clinical significance of this variant is currently classified as a variant of uncertain significance (VUS).

NM_001168468.2(NHERF4):c.983T>C (p.Val328Ala)

Gene: NHERF4 (NHERF family PDZ scaffold protein 4; plus strand). Cytogenetic location: 11q23.3.
Variant type: single nucleotide variant.
Coding change: c.983T>C on transcript NM_001168468.2 (MANE Select); coding-DNA position 983, T replaced by C.
Protein change: p.Val328Ala; replaces valine 328 with alanine.
Molecular consequence: missense variant. On other transcripts: non-coding transcript variant (1).
Genome position (GRCh38, 1-based): chr11:119,188,475, T>C. VCF-style: chr11-119188475-T-C. GRCh37 (hg19) VCF-style: chr11-119059184-T-C.
Other names: c.941T>C, p.Val314Ala (NM_024791.4); short protein forms V314A, V328A.
Identifiers: ClinVar variation 4813085 (VCV004813085.1).
Genomic context (GRCh38, chr11:119,188,475, plus strand): 5'-GGGACCGGCTGGTGGCTGTGGCTGGGGAGAGCGTGGAGGGGCTGGGCCATGAGGAGACAG[T>C]GTCCAGGATCCAGGGGCAGGGCTCCTGTGTCTCCCTCACTGTCGTCGACCCTGAGGCGGA-3'
Protein context (NP_001161940.1, residues 318-338): SVEGLGHEET[Val328Ala]SRIQGQGSCV